The following is an entry in ClinVar:

NM_001165963.4(SCN1A):c.5174_5179del (p.Gly1725_Trp1726del)

Genes: SCN1A (sodium voltage-gated channel alpha subunit 1; minus strand), LOC102724058 (uncharacterized LOC102724058; plus strand). Cytogenetic location: 2q24.3.
Variant type: Deletion.
Coding change: c.5174_5179del on transcript NM_001165963.4 (MANE Select); coding-DNA positions 5174 to 5179, 6 bases deleted (GCTGGG; older notation c.5174_5179delGCTGGG).
Protein change: p.Gly1725_Trp1726del.
Molecular consequence: inframe deletion. On other transcripts: non-coding transcript variant (1).
Genome position (GRCh38, 1-based): chr2:165,992,096-165,992,101, CCCAGC deleted on the plus strand (GCTGGG on the coding strand, the reverse complement: SCN1A is on the minus strand); deleting any 6 consecutive bases within chr2:165,992,096-165,992,102 gives the same sequence; the c. name uses the placement nearest the transcript's 3' end. VCF-style (leftmost placement, unchanged base first): chr2-165992095-TCCCAGC-T. GRCh37 (hg19) VCF-style: chr2-166848605-TCCCAGC-T.
Other names: c.5090_5095del, p.Gly1697_Trp1698del (NM_001165964.3, NM_001353957.2, NM_001353958.2); c.5174_5179del, p.Gly1725_Trp1726del (NM_001202435.3, NM_001353948.2); c.5141_5146del, p.Gly1714_Trp1715del (NM_001353949.2, NM_001353950.2, NM_001353951.2 and 2 more transcripts); c.5138_5143del, p.Gly1713_Trp1714del (NM_001353954.2, NM_001353955.2); c.5087_5092del, p.Gly1696_Trp1697del (NM_001353960.2); c.2732_2737del, p.Gly911_Trp912del (NM_001353961.2).
Identifiers: ClinVar variation 1745814 (VCV001745814.2), dbSNP rs2468336207, ClinGen allele CA2580064420.
Genomic context (GRCh38, chr2:165,992,095, plus strand): 5'-TTAACTTTATTAGGGTCACAGTCGGGTGGCTTACTGTTGAGAATGGGTGCTAGCAATCCA[TCCCAGC>T]CAGCAGAGGTTGTAATTTGGAATAGGCAGATCATGCTGTTGCCAAAGGTCTCAAAGTTGA-3'

ClinVar aggregate classification (germline): Likely pathogenic (1 of 4 stars; one submission).

Conditions:
Inborn genetic diseases. Identifiers: MedGen C0950123, MeSH D030342.

Submission:

Ambry Genetics
Classification: Likely pathogenic for Inborn genetic diseases. Last evaluated: 2017-07-07. Review status: criteria provided, single submitter. Criteria: Ambry Variant Classification Scheme 2023. Collection method: clinical testing. Allele origin: germline.
Comment: The c.5174_5179delGCTGGG variant (also known as p.G1725_W1726del) is located in coding exon 26 of the SCN1A gene. This variant results from an in-frame GCTGGG deletion at nucleotide positions 5174 to 5179. This results in the in-frame deletion of a glycine and tryptophan at codons 1725 and 1726. This variant was not reported in the gnomAD database, with coverage at this position. This amino acid position is also highly conserved in available vertebrate species. In addition, this alteration is predicted to be deleterious by PROVEAN in silico analysis (Choi Y et al., PLoS ONE 2012; 7(10):e46688). Based on the majority of available evidence to date, this variant is likely to be pathogenic.